The following is an entry in ClinVar:

ClinVar aggregate classification (germline): Conflicting classifications of pathogenicity. Review status: criteria provided, conflicting classifications (1 of 4 stars). 4 submissions from 4 submitters: Uncertain significance (3); Likely benign (1). Last evaluated 2024-02-09.

Conditions:
Hereditary cancer-predisposing syndrome. Also called: Neoplastic Syndromes, Hereditary; Tumor predisposition; Hereditary Cancer Syndrome; Hereditary neoplastic syndrome. Identifiers: Orphanet 140162, MedGen C0027672, MeSH D009386, MONDO:0015356.
Hereditary breast ovarian cancer syndrome. Also called: Hereditary breast and ovarian cancer syndrome; Hereditary breast and ovarian cancer syndrome (HBOC); Breast and ovarian cancer; Hereditary breast and/or ovarian cancer syndrome; Hereditary breast and ovarian cancer; BRCA1- and BRCA2-Associated Hereditary Breast and Ovarian Cancer. Identifiers: Orphanet 145, MedGen C0677776, MeSH D061325, MONDO:0003582. Disease mechanism: loss of function.
Familial cancer of breast. Also called: Hereditary breast cancer; BREAST CANCER, FAMILIAL; hereditary breast carcinoma. Identifiers: Orphanet 227535, MedGen C0346153, MONDO:0016419, OMIM 114480. Disease mechanism: loss of function.

Allele frequency attached by ClinVar (database versions not stated): gnomAD exomes below 0.00001.

Submissions (4):

MGZ Medical Genetics Center
Classification: Uncertain significance for Familial cancer of breast. Last evaluated: 2024-02-09. Review status: criteria provided, single submitter. Criteria: CSpec BRCA1/2ACMG Rules Specifications V1.1.0. Collection method: clinical testing. Allele origin: germline. Affected: yes.
Comment: ACMG codes applied following ENIGMA VCEP rules: PP3, PM2_SUP

Ambry Genetics
Classification: Uncertain significance for Hereditary cancer-predisposing syndrome. Last evaluated: 2024-01-21. Review status: criteria provided, single submitter. Criteria: Ambry Variant Classification Scheme 2023. Collection method: clinical testing. Allele origin: germline.
Comment: The p.N277S variant (also known as c.830A>G), located in coding exon 9 of the BRCA2 gene, results from an A to G substitution at nucleotide position 830. The asparagine at codon 277 is replaced by serine, an amino acid with highly similar properties. This amino acid position is conserved. In addition, this alteration is predicted to be tolerated by in silico analysis. Based on the available evidence, the clinical significance of this alteration remains unclear.

University of Washington Department of Laboratory Medicine, University of Washington
Classification: Likely benign for Hereditary cancer-predisposing syndrome. Last evaluated: 2023-03-23. Review status: criteria provided, single submitter. Criteria: Dines et al. (Genet Med. 2020). Collection method: curation. Allele origin: germline.
Comment: Missense variant in a coldspot region where missense variants are very unlikely to be pathogenic (PMID:31911673).

BRCA2 exon 10 coldspot. Reclassification based on statistical prior probability.

Labcorp Genetics (formerly Invitae), Labcorp
Classification: Uncertain significance for Hereditary breast ovarian cancer syndrome. Last evaluated: 2022-05-17. Review status: criteria provided, single submitter. Criteria: Invitae Variant Classification Sherloc (09022015). Collection method: clinical testing. Allele origin: germline.
Comment: In summary, the available evidence is currently insufficient to determine the role of this variant in disease. Therefore, it has been classified as a Variant of Uncertain Significance. Algorithms developed to predict the effect of sequence changes on RNA splicing suggest that this variant may create or strengthen a splice site. Advanced modeling of protein sequence and biophysical properties (such as structural, functional, and spatial information, amino acid conservation, physicochemical variation, residue mobility, and thermodynamic stability) performed at Invitae indicates that this missense variant is not expected to disrupt BRCA2 protein function. This variant has not been reported in the literature in individuals affected with BRCA2-related conditions. This variant is present in population databases (no rsID available, gnomAD 0.0009%). This sequence change replaces asparagine, which is neutral and polar, with serine, which is neutral and polar, at codon 277 of the BRCA2 protein (p.Asn277Ser).

NM_000059.4(BRCA2):c.830A>G (p.Asn277Ser)

Gene: BRCA2 (BRCA2 DNA repair associated; plus strand). Cytogenetic location: 13q13.1.
Variant type: single nucleotide variant.
Coding change: c.830A>G on transcript NM_000059.4 (MANE Select); coding-DNA position 830, A replaced by G.
Protein change: p.Asn277Ser; replaces asparagine 277 with serine.
Molecular consequence: missense variant.
Genome position (GRCh38, 1-based): chr13:32,332,308, A>G. VCF-style: chr13-32332308-A-G. GRCh37 (hg19) VCF-style: chr13-32906445-A-G.
Other names: c.830A>G, p.Asn277Ser (NM_001406719.1, NM_001406720.1, NM_001406721.1); short protein forms N277S.
Identifiers: ClinVar variation 1709770 (VCV001709770.9), dbSNP rs1419882645, ClinGen allele CA387760456.